The following is an entry in ClinVar:

ClinVar aggregate classification (germline): Conflicting classifications of pathogenicity. Review status: criteria provided, conflicting classifications (1 of 4 stars). 2 submissions from 2 submitters: Uncertain significance (1); Likely benign (1). Last evaluated 2025-10-07.

Conditions:
Hereditary cancer-predisposing syndrome. Also called: Hereditary Cancer Syndrome; Neoplastic Syndromes, Hereditary; Hereditary neoplastic syndrome; Tumor predisposition. Identifiers: Orphanet 140162, MedGen C0027672, MeSH D009386, MONDO:0015356.
DICER1-related tumor predisposition. Also called: DICER1-related pleuropulmonary blastoma cancer predisposition syndrome; DICER1 syndrome. Identifiers: Orphanet 284343, MedGen C3839822, MONDO:0100216.

Allele frequency attached by ClinVar (database versions not stated): gnomAD exomes below 0.00001.
gnomAD v4.1: 2 of 1,609,138 alleles (0.00012%); highest among the groups gnomAD compares: East Asian, 0.0045%; no homozygotes.

Submissions (2):

Labcorp Genetics (formerly Invitae), Labcorp
Classification: Uncertain significance for DICER1-related tumor predisposition. Last evaluated: 2025-10-07. Review status: criteria provided, single submitter. Criteria: Invitae Variant Classification Sherloc (09022015). Collection method: clinical testing. Allele origin: germline.
Comment: This sequence change replaces isoleucine, which is neutral and non-polar, with valine, which is neutral and non-polar, at codon 892 of the DICER1 protein (p.Ile892Val). This variant is not present in population databases (gnomAD no frequency). This variant has not been reported in the literature in individuals affected with DICER1-related conditions. ClinVar contains an entry for this variant (Variation ID: 821658). Invitae Evidence Modeling of protein sequence and biophysical properties (such as structural, functional, and spatial information, amino acid conservation, physicochemical variation, residue mobility, and thermodynamic stability) indicates that this missense variant is not expected to disrupt DICER1 protein function with a negative predictive value of 95%. In summary, the available evidence is currently insufficient to determine the role of this variant in disease. Therefore, it has been classified as a Variant of Uncertain Significance.

Ambry Genetics
Classification: Likely benign for Hereditary cancer-predisposing syndrome. Last evaluated: 2024-06-05. Review status: criteria provided, single submitter. Criteria: Ambry Variant Classification Scheme 2023. Collection method: clinical testing. Allele origin: germline.

NM_177438.3(DICER1):c.2674A>G (p.Ile892Val)

Gene: DICER1 (dicer 1, ribonuclease III; minus strand). Cytogenetic location: 14q32.13.
Variant type: single nucleotide variant.
Coding change: c.2674A>G on transcript NM_177438.3 (MANE Select); coding-DNA position 2674, A replaced by G.
Protein change: p.Ile892Val; replaces isoleucine 892 with valine.
Molecular consequence: missense variant.
Genome position (GRCh38, 1-based): chr14:95,107,738, T>C on the plus strand (A>G on the coding strand, the complement: DICER1 is on the minus strand). VCF-style: chr14-95107738-T-C. GRCh37 (hg19) VCF-style: chr14-95574075-T-C.
Other names: c.2674A>G, p.Ile892Val (NM_001195573.1, NM_001271282.3, NM_001291628.2 and 1 more transcripts); short protein forms I892V.
Identifiers: ClinVar variation 821658 (VCV000821658.13), dbSNP rs1595379319, ClinGen allele CA390879817.